The following is an entry in ClinVar:

NM_006445.4(PRPF8):c.3224A>T (p.Gln1075Leu)

Gene: PRPF8 (pre-mRNA processing factor 8; minus strand). Cytogenetic location: 17p13.3.
Variant type: single nucleotide variant.
Coding change: c.3224A>T on transcript NM_006445.4 (MANE Select); coding-DNA position 3224, A replaced by T.
Protein change: p.Gln1075Leu; replaces glutamine 1075 with leucine.
Molecular consequence: missense variant.
Genome position (GRCh38, 1-based): chr17:1,674,517, T>A on the plus strand (A>T on the coding strand, the complement: PRPF8 is on the minus strand). VCF-style: chr17-1674517-T-A. GRCh37 (hg19) VCF-style: chr17-1577811-T-A.
Other names: short protein forms Q1075L.
Identifiers: ClinVar variation 2661922 (VCV002661922.1), dbSNP rs2151126834, ClinGen allele CA397542638.

ClinVar aggregate classification (germline): Uncertain significance (1 of 4 stars; one submission).

Submission:

GeneDx
Classification: Uncertain significance. Last evaluated: 2023-04-11. Review status: criteria provided, single submitter. Criteria: GeneDx Variant Classification Process June 2021. Collection method: clinical testing. Allele origin: germline. Affected: yes.
Comment: Not observed at significant frequency in large population cohorts (gnomAD); In silico analysis supports that this missense variant has a deleterious effect on protein structure/function; Has not been previously published as pathogenic or benign to our knowledge